The following is an entry in ClinVar:

ClinVar aggregate classification (germline): Uncertain significance. Review status: criteria provided, multiple submitters, no conflicts (2 of 4 stars). 5 submissions from 5 submitters: Uncertain significance (5). Last evaluated 2025-08-20.

Conditions:
Hereditary nonpolyposis colorectal neoplasms. Identifiers: MedGen C0009405, MeSH D003123.
Lynch syndrome. Identifiers: Orphanet 144, MedGen C4552100, MONDO:0005835. Disease mechanism: loss of function.
Hereditary cancer-predisposing syndrome. Also called: Hereditary neoplastic syndrome; Hereditary Cancer Syndrome; Neoplastic Syndromes, Hereditary; Tumor predisposition. Identifiers: Orphanet 140162, MedGen C0027672, MeSH D009386, MONDO:0015356.

Allele frequency attached by ClinVar (database versions not stated): gnomAD 0.00001.
gnomAD v4.1: 1 of 1,611,778 alleles (0.000062%); highest among the groups gnomAD compares: Non-Finnish European, 0.000085%; no homozygotes.

Submissions (5):

Color Diagnostics, LLC DBA Color Health
Classification: Uncertain significance for Hereditary cancer-predisposing syndrome. Last evaluated: 2025-08-20. Review status: criteria provided, single submitter. Criteria: ACMG Guidelines, 2015. Collection method: clinical testing. Allele origin: germline.
Comment: This missense variant replaces asparagine with aspartic acid at codon 140 of the PMS2 protein. Computational prediction suggests that this variant may not impact protein structure and function. To our knowledge, functional studies have not been reported for this variant. This variant has been reported in a cohort of Chinese individuals affected with Lynch syndrome (PMID: 20698049). This variant has been identified in 1/31406 chromosomes in the general population by the Genome Aggregation Database (gnomAD). The available evidence is insufficient to determine the role of this variant in disease conclusively. Therefore, this variant is classified as a Variant of Uncertain Significance.

Labcorp Genetics (formerly Invitae), Labcorp
Classification: Uncertain significance for Hereditary nonpolyposis colorectal neoplasms. Last evaluated: 2025-07-30. Review status: criteria provided, single submitter. Criteria: Invitae Variant Classification Sherloc (09022015). Collection method: clinical testing. Allele origin: germline.
Comment: This sequence change replaces asparagine, which is neutral and polar, with aspartic acid, which is acidic and polar, at codon 140 of the PMS2 protein (p.Asn140Asp). This variant is not present in population databases (gnomAD no frequency). This missense change has been observed in individual(s) with Lynch syndrome (PMID: 20698049). ClinVar contains an entry for this variant (Variation ID: 234440). Invitae Evidence Modeling incorporating data from in vitro experimental studies (internal data) indicates that this missense variant is not expected to disrupt PMS2 function with a negative predictive value of 95%. In summary, the available evidence is currently insufficient to determine the role of this variant in disease. Therefore, it has been classified as a Variant of Uncertain Significance.

Ambry Genetics
Classification: Uncertain significance for Hereditary cancer-predisposing syndrome. Last evaluated: 2024-07-30. Review status: criteria provided, single submitter. Criteria: Ambry Variant Classification Scheme 2023. Collection method: clinical testing. Allele origin: germline.
Comment: The p.N140D variant (also known as c.418A>G), located in coding exon 5 of the PMS2 gene, results from an A to G substitution at nucleotide position 418. The asparagine at codon 140 is replaced by aspartic acid, an amino acid with highly similar properties. This alteration was detected in a cohort of 26 unrelated Chinese hereditary nonpolyposis colorectal cancer (HNPCC) probands (Sheng X et al. World J Gastroenterol, 2010 Aug;16:3847-52). This amino acid position is not well conserved in available vertebrate species. In addition, this alteration is predicted to be tolerated by in silico analysis. Since supporting evidence is limited at this time, the clinical significance of this alteration remains unclear.

All of Us Research Program, National Institutes of Health
Classification: Uncertain significance for Lynch syndrome. Last evaluated: 2023-05-16. Review status: criteria provided, single submitter. Criteria: ACMG Guidelines, 2015. Collection method: clinical testing. Allele origin: germline. Inheritance: Autosomal dominant inheritance. Observed: 1 variant allele, 1 heterozygote.
Comment: This missense variant replaces asparagine with aspartic acid at codon 140 of the PMS2 protein. Computational prediction suggests that this variant may not impact protein structure and function (internally defined REVEL score threshold <= 0.5, PMID: 27666373). To our knowledge, functional studies have not been reported for this variant. This variant has been reported in a cohort of Chinese individuals affected with Lynch syndrome (PMID: 20698049). This variant has been identified in 1/31406 chromosomes in the general population by the Genome Aggregation Database (gnomAD). The available evidence is insufficient to determine the role of this variant in disease conclusively. Therefore, this variant is classified as a Variant of Uncertain Significance.

This study involves interpretation of variants in research participants for the purpose of population health screening. Participant phenotype was not available at the time of variant classification. Additional details can be found in publication PMID: 35346344, PMCID: PMC8962531

GeneDx
Classification: Uncertain significance. Last evaluated: 2015-12-03. Review status: criteria provided, single submitter. Criteria: GeneDx Variant Classification (06012015). Collection method: clinical testing. Allele origin: germline. Affected: yes.
Comment: This variant is denoted PMS2 c.418A>G at the cDNA level, p.Asn140Asp (N140D) at the protein level, and results in the change of an Asparagine to an Aspartic Acid (AAT>GAT). This variant has been reported in at least one Chinese individual with colon cancer (Sheng 2010). PMS2 Asn140Asp was not observed in approximately 6,500 individuals of European and African American ancestry in the NHLBI Exome Sequencing Project, suggesting it is not a common benign variant in these populations. Since Asparagine and Aspartic Acid differ in some properties, this is considered a semi-conservative amino acid substitution. PMS2 Asn140Asp occurs at a position that is not conserved and is located in the ATPase domain (Guarne 2001, Fukui 2011). In silico analyses are inconsistent regarding the effect this variant may have on protein structure and function. Based on currently available evidence, it is unclear whether PMS2 Asn140Asp is a pathogenic or benign variant. We consider it to be a variant of uncertain significance.

Literature cited by the submitters: PubMed 20698049 (cited by 4 submitters).

NM_000535.7(PMS2):c.418A>G (p.Asn140Asp)

Gene: PMS2 (PMS1 homolog 2, mismatch repair system component; minus strand). Cytogenetic location: 7p22.1.
Variant type: single nucleotide variant.
Coding change: c.418A>G on transcript NM_000535.7 (MANE Select); coding-DNA position 418, A replaced by G.
Protein change: p.Asn140Asp; replaces asparagine 140 with aspartic acid.
Molecular consequence: missense variant. On other transcripts: 5 prime UTR variant (2), non-coding transcript variant (1).
Genome position (GRCh38, 1-based): chr7:6,002,572, T>C on the plus strand (A>G on the coding strand, the complement: PMS2 is on the minus strand). VCF-style: chr7-6002572-T-C. GRCh37 (hg19) VCF-style: chr7-6042203-T-C.
Other names: c.13A>G, p.Asn5Asp (NM_001322003.2, NM_001322004.2, NM_001322005.2 and 3 more transcripts); c.418A>G, p.Asn140Asp (NM_001322006.2, NM_001322014.2); c.100A>G, p.Asn34Asp (NM_001322007.2, NM_001322008.2); c.-467A>G (NM_001322011.2, NM_001322012.2); c.109A>G, p.Asn37Asp (NM_001322015.2); short protein forms N140D, N34D, N5D, N37D.
Identifiers: ClinVar variation 234440 (VCV000234440.16), dbSNP rs35911407, ClinGen allele CA10577357.